The following is an entry in ClinVar:

NM_000051.4(ATM):c.6054G>T (p.Leu2018Phe)

Genes: ATM (ATM serine/threonine kinase; plus strand), C11orf65 (chromosome 11 open reading frame 65; minus strand). Cytogenetic location: 11q22.3.
Variant type: single nucleotide variant.
Coding change: c.6054G>T on transcript NM_000051.4 (MANE Select); coding-DNA position 6054, G replaced by T.
Protein change: p.Leu2018Phe; replaces leucine 2018 with phenylalanine.
Molecular consequence: missense variant. On other transcripts: intron variant (2).
Genome position (GRCh38, 1-based): chr11:108,315,870, G>T. VCF-style: chr11-108315870-G-T. GRCh37 (hg19) VCF-style: chr11-108186597-G-T.
Other names: c.6054G>T, p.Leu2018Phe (NM_001351834.2); c.641-6799C>A (NM_001330368.2); c.*39-6799C>A (NM_001351110.2); short protein forms L2018F.
Identifiers: ClinVar variation 1751292 (VCV001751292.5), dbSNP rs2136119917, ClinGen allele CA382550004.

ClinVar aggregate classification (germline): Uncertain significance. Review status: criteria provided, multiple submitters, no conflicts (2 of 4 stars). 2 submissions from 2 submitters: Uncertain significance (2). Last evaluated 2023-07-16.

Conditions:
Hereditary cancer-predisposing syndrome. Also called: Hereditary neoplastic syndrome; Neoplastic Syndromes, Hereditary; Tumor predisposition; Hereditary Cancer Syndrome. Identifiers: Orphanet 140162, MedGen C0027672, MeSH D009386, MONDO:0015356.
Ataxia-telangiectasia syndrome (AT). Also called: Ataxia telangiectasia (A-T); LOUIS-BAR SYNDROME; Cerebello-oculocutaneous telangiectasia; Immunodeficiency with ataxia telangiectasia; Ataxia-telangiectasia, complementation group D; AT, COMPLEMENTATION GROUP C. Identifiers: Orphanet 100, MedGen C0004135, MONDO:0008840, OMIM 208900.

gnomAD v4.1: 1 of 1,613,340 alleles (0.000062%); highest among the groups gnomAD compares: Non-Finnish European, 0.000085%; no homozygotes.

Submissions (2):

Labcorp Genetics (formerly Invitae), Labcorp
Classification: Uncertain significance for Ataxia-telangiectasia syndrome. Last evaluated: 2023-07-16. Review status: criteria provided, single submitter. Criteria: Invitae Variant Classification Sherloc (09022015). Collection method: clinical testing. Allele origin: germline.
Comment: In summary, the available evidence is currently insufficient to determine the role of this variant in disease. Therefore, it has been classified as a Variant of Uncertain Significance. An algorithm developed to predict the effect of missense changes on protein structure and function (PolyPhen-2) suggests that this variant is likely to be disruptive. ClinVar contains an entry for this variant (Variation ID: 1751292). This variant has not been reported in the literature in individuals affected with ATM-related conditions. This variant is not present in population databases (gnomAD no frequency). This sequence change replaces leucine, which is neutral and non-polar, with phenylalanine, which is neutral and non-polar, at codon 2018 of the ATM protein (p.Leu2018Phe).

Ambry Genetics
Classification: Uncertain significance for Hereditary cancer-predisposing syndrome. Last evaluated: 2022-10-12. Review status: criteria provided, single submitter. Criteria: Ambry Variant Classification Scheme 2023. Collection method: clinical testing. Allele origin: germline.
Comment: The p.L2018F variant (also known as c.6054G>T), located in coding exon 40 of the ATM gene, results from a G to T substitution at nucleotide position 6054. The leucine at codon 2018 is replaced by phenylalanine, an amino acid with highly similar properties. This amino acid position is conserved. In addition, this alteration is predicted to be tolerated by in silico analysis. Since supporting evidence is limited at this time, the clinical significance of this alteration remains unclear.